The following is an entry in ClinVar:

ClinVar aggregate classification (germline): Uncertain significance (1 of 4 stars; one submission).

Conditions:
Familial adenomatous polyposis 1 (FAP1). Also called: FAMILIAL ADENOMATOUS POLYPOSIS 1, ATTENUATED; POLYPOSIS, ADENOMATOUS INTESTINAL. Identifiers: MedGen C2713442, MONDO:0021056, OMIM 175100. Disease mechanism: loss of function.

Submission:

Labcorp Genetics (formerly Invitae), Labcorp
Classification: Uncertain significance for Familial adenomatous polyposis 1. Last evaluated: 2019-10-09. Review status: criteria provided, single submitter. Criteria: Invitae Variant Classification Sherloc (09022015). Collection method: clinical testing. Allele origin: germline.
Comment: This sequence change replaces threonine with alanine at codon 1332 of the APC protein (p.Thr1332Ala). The threonine residue is highly conserved and there is a small physicochemical difference between threonine and alanine. This variant is not present in population databases (ExAC no frequency). In summary, the available evidence is currently insufficient to determine the role of this variant in disease. Therefore, it has been classified as a Variant of Uncertain Significance. Algorithms developed to predict the effect of missense changes on protein structure and function output the following: SIFT: "Tolerated"; PolyPhen-2: "Benign"; Align-GVGD: "Class C0". The alanine amino acid residue is found in multiple mammalian species, suggesting that this missense change does not adversely affect protein function. These predictions have not been confirmed by published functional studies and their clinical significance is uncertain. This variant has not been reported in the literature in individuals with APC-related conditions.

NM_000038.6(APC):c.3994A>G (p.Thr1332Ala)

Gene: APC (APC regulator of Wnt signaling pathway; plus strand). Cytogenetic location: 5q22.2.
Variant type: single nucleotide variant.
Coding change: c.3994A>G on transcript NM_000038.6 (MANE Select); coding-DNA position 3994, A replaced by G.
Protein change: p.Thr1332Ala; replaces threonine 1332 with alanine.
Molecular consequence: missense variant.
Genome position (GRCh38, 1-based): chr5:112,839,588, A>G. VCF-style: chr5-112839588-A-G. GRCh37 (hg19) VCF-style: chr5-112175285-A-G.
Other names: c.3994A>G, p.Thr1332Ala (NM_001127510.3, NM_001354895.2); c.3940A>G, p.Thr1314Ala (NM_001127511.3); c.4048A>G, p.Thr1350Ala (NM_001354896.2); c.4024A>G, p.Thr1342Ala (NM_001354897.2); c.3919A>G, p.Thr1307Ala (NM_001354898.2); c.3910A>G, p.Thr1304Ala (NM_001354899.2); c.3871A>G, p.Thr1291Ala (NM_001354900.2); c.3817A>G, p.Thr1273Ala (NM_001354901.2); and 5 more; short protein forms T1049A, T1206A, T1273A, T1291A, T1304A, T1314A, T1350A, T1332A.
Identifiers: ClinVar variation 972627 (VCV000972627.11), dbSNP rs1765577018, ClinGen allele CA16030090.